The following is an entry in ClinVar:

ClinVar aggregate classification (germline): Uncertain significance (1 of 4 stars; one submission).

Conditions:
Mitochondrial complex II deficiency, nuclear type 1. Also called: SUCCINATE CoQ REDUCTASE DEFICIENCY. Identifiers: Orphanet 3208, MedGen C5700310, MONDO:0100294, OMIM 252011.
Pheochromocytoma/paraganglioma syndrome 5. Also called: Paragangliomas 5; SDHA-Related Hereditary Paraganglioma-Pheochromocytoma Syndrome. Identifiers: Orphanet 29072, MedGen C3279992, MONDO:0013602, OMIM 614165.

Submission:

Labcorp Genetics (formerly Invitae), Labcorp
Classification: Uncertain significance for Pheochromocytoma/paraganglioma syndrome 5; Mitochondrial complex II deficiency, nuclear type 1. Last evaluated: 2019-07-20. Review status: criteria provided, single submitter. Criteria: Invitae Variant Classification Sherloc (09022015). Collection method: clinical testing. Allele origin: germline.
Comment: In summary, the available evidence is currently insufficient to determine the role of this variant in disease. Therefore, it has been classified as a Variant of Uncertain Significance. Experimental studies and prediction algorithms are not available or were not evaluated for this variant, and the functional significance of the affected amino acid(s) is currently unknown. This variant has not been reported in the literature in individuals with SDHA-related conditions. This variant is not present in population databases (ExAC no frequency). This variant, c.1846_1848del, results in the deletion of 1 amino acid(s) of the SDHA protein (p.Lys616del), but otherwise preserves the integrity of the reading frame.

NM_004168.4(SDHA):c.1843AAG[1] (p.Lys616del)

Gene: SDHA (succinate dehydrogenase complex flavoprotein subunit A; plus strand). Cytogenetic location: 5p15.33.
Variant type: Microsatellite.
Coding change: c.1843AAG[1] on transcript NM_004168.4 (MANE Select); one copy of the 3-base unit AAG starting at c.1843; the reference has two copies in a row; one copy, 3 bases deleted.
Protein change: p.Lys616del; deletes lysine 616.
Molecular consequence: inframe deletion.
Genome position (GRCh38, 1-based): chr5:254,444-254,446, AAG deleted; deleting any 3 consecutive bases within chr5:254,439-254,446 gives the same sequence; the position shown is the placement nearest the transcript's 3' end. VCF-style (leftmost placement, unchanged base first): chr5-254438-CAGA-C. GRCh37 (hg19) VCF-style: chr5-254553-CAGA-C.
Other names: c.1699AAG[1], p.Lys568del (NM_001294332.2); c.1600AAG[1], p.Lys535del (NM_001330758.2); short protein forms K616del, K568del, K535del.
Identifiers: ClinVar variation 962661 (VCV000962661.10), dbSNP rs1737048556, ClinGen allele CA1521999120.